The following is an entry in ClinVar:

ClinVar aggregate classification (germline): Likely benign. Review status: criteria provided, multiple submitters, no conflicts (2 of 4 stars). 2 submissions from 2 submitters: Likely benign (2). Last evaluated 2024-06-12.

Conditions:
Familial cancer of breast. Also called: Hereditary breast cancer; hereditary breast carcinoma; BREAST CANCER, FAMILIAL. Identifiers: Orphanet 227535, MedGen C0346153, MONDO:0016419, OMIM 114480. Disease mechanism: loss of function.
Ataxia-telangiectasia syndrome (AT). Also called: Ataxia telangiectasia (A-T); ATAXIA-TELANGIECTASIA, COMPLEMENTATION GROUP A; ATAXIA-TELANGIECTASIA, FRESNO VARIANT; Ataxia-telangiectasia; Ataxia-telangiectasia, complementation group E; LOUIS-BAR SYNDROME. Identifiers: Orphanet 100, MedGen C0004135, MONDO:0008840, OMIM 208900.

Submissions (2):

Myriad Genetics, Inc.
Classification: Likely benign for Familial cancer of breast. Last evaluated: 2024-06-12. Review status: criteria provided, single submitter. Criteria: Myriad Autosomal Dominant, Autosomal Recessive and X-Linked Classification Criteria (2023). Collection method: clinical testing. Allele origin: unknown.
Comment: This variant is considered likely benign. This variant is intronic and is not expected to impact mRNA splicing.

Labcorp Genetics (formerly Invitae), Labcorp
Classification: Likely benign for Ataxia-telangiectasia syndrome. Last evaluated: 2022-07-02. Review status: criteria provided, single submitter. Criteria: Invitae Variant Classification Sherloc (09022015). Collection method: clinical testing. Allele origin: germline.

NM_000051.4(ATM):c.6976-6A>G

Genes: ATM (ATM serine/threonine kinase; plus strand), C11orf65 (chromosome 11 open reading frame 65; minus strand). Cytogenetic location: 11q22.3.
Variant type: single nucleotide variant.
Coding change: c.6976-6A>G on transcript NM_000051.4 (MANE Select); 6 bases into the intron before coding-DNA position 6976, A replaced by G.
Molecular consequence: intron variant.
Genome position (GRCh38, 1-based): chr11:108,327,639, A>G. VCF-style: chr11-108327639-A-G. GRCh37 (hg19) VCF-style: chr11-108198366-A-G.
Other names: c.6976-6A>G (NM_001351834.2); c.641-18568T>C (NM_001330368.2); c.*38+7581T>C (NM_001351110.2).
Identifiers: ClinVar variation 1083407 (VCV001083407.10), dbSNP rs2136372183, ClinGen allele CA2499220702.